The following is an entry in ClinVar:

NM_001369.3(DNAH5):c.5246T>C (p.Ile1749Thr)

Gene: DNAH5 (dynein axonemal heavy chain 5; minus strand). Cytogenetic location: 5p15.2.
Variant type: single nucleotide variant.
Coding change: c.5246T>C on transcript NM_001369.3 (MANE Select); coding-DNA position 5246, T replaced by C.
Protein change: p.Ile1749Thr; replaces isoleucine 1749 with threonine.
Molecular consequence: missense variant.
Genome position (GRCh38, 1-based): chr5:13,844,862, A>G on the plus strand (T>C on the coding strand, the complement: DNAH5 is on the minus strand). VCF-style: chr5-13844862-A-G. GRCh37 (hg19) VCF-style: chr5-13844971-A-G.
Other names: c.5246T>C (NM_001369.2); short protein forms I1749T.
Identifiers: ClinVar variation 1976776 (VCV001976776.7), dbSNP rs770108485, ClinGen allele CA359213795.

ClinVar aggregate classification (germline): Conflicting classifications of pathogenicity. Review status: criteria provided, conflicting classifications (1 of 4 stars). 3 submissions from 3 submitters: Uncertain significance (2); Likely benign (1). Last evaluated 2024-11-19.

Conditions:
Primary ciliary dyskinesia. Also called: Ciliary dyskinesia. Identifiers: Orphanet 244, MedGen C0008780, MONDO:0016575, HP:0012265.

Allele frequency attached by ClinVar (database versions not stated): TOPMed 0.00001.
gnomAD v4.1: 9 of 1,614,214 alleles (0.00056%); highest among the groups gnomAD compares: Admixed American, 0.0083%; no homozygotes.

Submissions (3):

Blueprint Genetics
Classification: Uncertain significance. Last evaluated: 2024-11-19. Review status: criteria provided, single submitter. Criteria: ACMG Guidelines, 2015. Collection method: clinical testing. Allele origin: germline.

Labcorp Genetics (formerly Invitae), Labcorp
Classification: Likely benign for Primary ciliary dyskinesia. Last evaluated: 2024-02-23. Review status: criteria provided, single submitter. Criteria: Invitae Variant Classification Sherloc (09022015). Collection method: clinical testing. Allele origin: germline.

Ambry Genetics
Classification: Uncertain significance for Primary ciliary dyskinesia. Last evaluated: 2024-02-22. Review status: criteria provided, single submitter. Criteria: Ambry Variant Classification Scheme 2023. Collection method: clinical testing. Allele origin: germline.
Comment: The p.I1749T variant (also known as c.5246T>C), located in coding exon 32 of the DNAH5 gene, results from a T to C substitution at nucleotide position 5246. The isoleucine at codon 1749 is replaced by threonine, an amino acid with similar properties. This amino acid position is conserved. In addition, this alteration is predicted to be deleterious by in silico analysis. Based on the available evidence, the clinical significance of this alteration remains unclear.